The following is an entry in ClinVar:

ClinVar aggregate classification (germline): Uncertain significance. Review status: criteria provided, multiple submitters, no conflicts (2 of 4 stars). 6 submissions from 6 submitters: Uncertain significance (5). 1 of the submissions does not count toward it. Last evaluated 2026-03-02.

Conditions:
Microscopic hematuria. Also called: Microhematuria. Identifiers: MedGen C0239937, HP:0002907.
Inborn genetic diseases. Identifiers: MedGen C0950123, MeSH D030342.
NPHS1-related disorder. Also called: NPHS1-related condition.
Finnish congenital nephrotic syndrome (NPHS1). Also called: NEPHROTIC SYNDROME, TYPE 1. Identifiers: Orphanet 839, MedGen C0403399, MONDO:0009732, OMIM 256300.

Allele frequency attached by ClinVar (database versions not stated): ESP Exome Variant Server 0.00008; gnomAD 0.00011.
gnomAD v4.1: 25 of 1,613,280 alleles (0.0015%); highest among the groups gnomAD compares: African/African-American, 0.032%; no homozygotes.

Submissions (6):

Women's Health and Genetics/Laboratory Corporation of America, LabCorp
Classification: Uncertain significance. Last evaluated: 2026-03-02. Review status: criteria provided, single submitter. Criteria: LabCorp Variant Classification Summary - May 2015. Collection method: clinical testing. Allele origin: germline.
Comment: Variant summary: NPHS1 c.710T>A (p.Leu237Gln) results in a non-conservative amino acid change in the encoded protein sequence. Algorithms developed to predict the effect of missense changes on protein structure and function are either unavailable or do not agree on the potential impact of this missense change. Consensus agreement among computation tools predict no significant impact on normal splicing. However, these predictions have yet to be confirmed by functional studies. The variant allele was found at a frequency of 1.6e-05 in 251428 control chromosomes. The available data on variant occurrences in the general population are insufficient to allow any conclusion about variant significance. To our knowledge, no occurrence of c.710T>A in individuals affected with NPHS1-related conditions and no experimental evidence demonstrating its impact on protein function have been reported. ClinVar contains an entry for this variant (Variation ID: 1518364). Based on the evidence outlined above, the variant was classified as uncertain significance.

Ambry Genetics
Classification: Uncertain significance for Inborn genetic diseases. Last evaluated: 2025-05-20. Review status: criteria provided, single submitter. Criteria: Ambry Variant Classification Scheme 2023. Collection method: clinical testing. Allele origin: germline.

Fulgent Genetics
Classification: Uncertain significance for Finnish congenital nephrotic syndrome. Last evaluated: 2024-04-22. Review status: criteria provided, single submitter. Criteria: ACMG Guidelines, 2015. Collection method: clinical testing. Allele origin: germline.

Labcorp Genetics (formerly Invitae), Labcorp
Classification: Uncertain significance. Last evaluated: 2022-08-09. Review status: criteria provided, single submitter. Criteria: Invitae Variant Classification Sherloc (09022015). Collection method: clinical testing. Allele origin: germline.
Comment: This sequence change replaces leucine, which is neutral and non-polar, with glutamine, which is neutral and polar, at codon 237 of the NPHS1 protein (p.Leu237Gln). This variant is present in population databases (rs373835033, gnomAD 0.02%). This variant has not been reported in the literature in individuals affected with NPHS1-related conditions. ClinVar contains an entry for this variant (Variation ID: 1518364). Algorithms developed to predict the effect of missense changes on protein structure and function (SIFT, PolyPhen-2, Align-GVGD) all suggest that this variant is likely to be disruptive. Algorithms developed to predict the effect of sequence changes on RNA splicing suggest that this variant may create or strengthen a splice site. In summary, the available evidence is currently insufficient to determine the role of this variant in disease. Therefore, it has been classified as a Variant of Uncertain Significance.

UNC Molecular Genetics  Laboratory, University of North Carolina at Chapel Hill
Classification: Uncertain significance for Microscopic hematuria. Last evaluated: 2021-11-01. Review status: criteria provided, single submitter. Criteria: ACMG Guidelines, 2015. Collection method: clinical testing. Allele origin: germline. Affected: yes. Observed: 1 compound heterozygote.

PreventionGenetics, part of Exact Sciences
Classification: Uncertain significance for NPHS1-related condition. Last evaluated: 2024-09-20. Review status: no assertion criteria provided. Collection method: clinical testing. Allele origin: germline. Not counted in ClinVar's aggregate classification.
Comment: The NPHS1 c.710T>A variant is predicted to result in the amino acid substitution p.Leu237Gln. To our knowledge, this variant has not been reported in the literature. This variant is reported in 0.020% of alleles in individuals of African descent in gnomAD. At this time, the clinical significance of this variant is uncertain due to the absence of conclusive functional and genetic evidence.

NM_004646.4(NPHS1):c.710T>A (p.Leu237Gln)

Gene: NPHS1 (NPHS1 adhesion molecule, nephrin; minus strand). Cytogenetic location: 19q13.12.
Variant type: single nucleotide variant.
Coding change: c.710T>A on transcript NM_004646.4 (MANE Select); coding-DNA position 710, T replaced by A.
Protein change: p.Leu237Gln; replaces leucine 237 with glutamine.
Molecular consequence: missense variant.
Genome position (GRCh38, 1-based): chr19:35,849,552, A>T on the plus strand (T>A on the coding strand, the complement: NPHS1 is on the minus strand). VCF-style: chr19-35849552-A-T. GRCh37 (hg19) VCF-style: chr19-36340454-A-T.
Other names: short protein forms L237Q.
Identifiers: ClinVar variation 1518364 (VCV001518364.11), dbSNP rs373835033, ClinGen allele CA9390692.